The following is an entry in ClinVar:

NM_015721.3(GEMIN4):c.219C>G (p.Ile73Met)

Gene: GEMIN4 (gem nuclear organelle associated protein 4; minus strand). Cytogenetic location: 17p13.3.
Variant type: single nucleotide variant.
Coding change: c.219C>G on transcript NM_015721.3 (MANE Select); coding-DNA position 219, C replaced by G.
Protein change: p.Ile73Met; replaces isoleucine 73 with methionine.
Molecular consequence: missense variant.
Genome position (GRCh38, 1-based): chr17:747,824, G>C on the plus strand (C>G on the coding strand, the complement: GEMIN4 is on the minus strand). VCF-style: chr17-747824-G-C. GRCh37 (hg19) VCF-style: chr17-651064-G-C.
Other names: short protein forms I73M.
Identifiers: ClinVar variation 3361485 (VCV003361485.1).

ClinVar aggregate classification (germline): Uncertain significance (1 of 4 stars; one submission).

gnomAD v4.1: 1 of 1,613,788 alleles (0.000062%); highest among the groups gnomAD compares: African/African-American, 0.0013%; no homozygotes.

Submission:

GeneDx
Classification: Uncertain significance. Last evaluated: 2023-07-24. Review status: criteria provided, single submitter. Criteria: GeneDx Variant Classification Process June 2021. Collection method: clinical testing. Allele origin: germline. Affected: yes.
Comment: Not observed at significant frequency in large population cohorts (gnomAD); In silico analysis supports that this missense variant does not alter protein structure/function; Has not been previously published as pathogenic or benign to our knowledge